The following is an entry in ClinVar:

ClinVar aggregate classification (germline): Uncertain significance (1 of 4 stars; one submission).

Submission:

GeneDx
Classification: Uncertain significance. Last evaluated: 2020-06-08. Review status: criteria provided, single submitter. Criteria: GeneDx Variant Classification Process June 2021. Collection method: clinical testing. Allele origin: germline. Affected: yes.
Comment: Not observed in large population cohorts (Lek et al., 2016); In silico analysis supports that this missense variant has a deleterious effect on protein structure/function; Has not been previously published as pathogenic or benign to our knowledge

NM_002691.4(POLD1):c.291A>C (p.Gln97His)

Gene: POLD1 (DNA polymerase delta 1, catalytic subunit; plus strand). Cytogenetic location: 19q13.33.
Variant type: single nucleotide variant.
Coding change: c.291A>C on transcript NM_002691.4 (MANE Select); coding-DNA position 291, A replaced by C.
Protein change: p.Gln97His; replaces glutamine 97 with histidine.
Molecular consequence: missense variant. On other transcripts: non-coding transcript variant (1).
Genome position (GRCh38, 1-based): chr19:50,399,459, A>C. VCF-style: chr19-50399459-A-C. GRCh37 (hg19) VCF-style: chr19-50902716-A-C.
Other names: c.291A>C, p.Gln97His (NM_001256849.1, NM_001308632.1); short protein forms Q97H.
Identifiers: ClinVar variation 1312691 (VCV001312691.2), dbSNP rs376289238, ClinGen allele CA406970610.